The following is an entry in ClinVar:

ClinVar aggregate classification (germline): Benign/Likely benign. Review status: criteria provided, multiple submitters, no conflicts (2 of 4 stars). 15 submissions from 9 submitters: Benign (11); Likely benign (2). 2 of the submissions do not count toward it. Last evaluated 2026-02-02.

Conditions:
Marfan syndrome (MFS). Also called: FBN1-Related Marfan Syndrome; MARFAN SYNDROME, TYPE I; Marfan syndrome, classic; Marfan syndrome type 1; Marfan's syndrome. Identifiers: Orphanet 284963, Orphanet 558, MedGen C0024796, MONDO:0007947, OMIM 154700.
Familial thoracic aortic aneurysm and aortic dissection (TAAD). Also called: Thoracic aortic aneurysms and dissections. Identifiers: Orphanet 91387, MedGen C4707243, MONDO:0019625.
Geleophysic dysplasia. Identifiers: Orphanet 2623, MedGen C3489726, MONDO:0000127.
Weill-Marchesani syndrome. Also called: WM Syndrome; Mesodermal dysmorphodystrophy congenital. Identifiers: Orphanet 3449, MedGen C0265313, MONDO:0018096.
Acromicric dysplasia (ACMICD). Also called: Acromicric skeletal dysplasia. Identifiers: Orphanet 969, MedGen C0265287, MONDO:0007055, OMIM 102370.
Ectopia lentis 1, isolated, autosomal dominant (ECTOL1). Identifiers: Orphanet 1885, MedGen C3541518, MONDO:0007514, OMIM 129600.
Stiff skin syndrome (SSKS). Identifiers: Orphanet 2833, MedGen C1861456, MONDO:0008492, OMIM 184900.

Allele frequency attached by ClinVar (database versions not stated): 1000 Genomes Project 0.00379; gnomAD exomes 0.00173 and 0.00056; gnomAD 0.00068 and 0.00045; TOPMed 0.00076; ExAC 0.00149; 1000 Genomes Project 30x 0.00375.
gnomAD v4.1: 900 of 1,605,632 alleles (0.056%); highest among the groups gnomAD compares: East Asian, 2%; 11 homozygotes.

Submissions (15):

Labcorp Genetics (formerly Invitae), Labcorp
Classification: Benign for Marfan syndrome; Familial thoracic aortic aneurysm and aortic dissection. Last evaluated: 2026-02-02. Review status: criteria provided, single submitter. Criteria: Invitae Variant Classification Sherloc (09022015). Collection method: clinical testing. Allele origin: germline.

Blueprint Genetics
Classification: Benign. Last evaluated: 2024-11-27. Review status: criteria provided, single submitter. Criteria: ACMG Guidelines, 2015. Collection method: clinical testing. Allele origin: germline.

ARUP Laboratories, Molecular Genetics and Genomics, ARUP Laboratories
Classification: Benign. Last evaluated: 2022-06-30. Review status: criteria provided, single submitter. Criteria: ARUP Molecular Germline Variant Investigation Process 2021. Collection method: clinical testing. Allele origin: germline.

Women's Health and Genetics/Laboratory Corporation of America, LabCorp
Classification: Benign. Last evaluated: 2021-03-25. Review status: criteria provided, single submitter. Criteria: LabCorp Variant Classification Summary - May 2015. Collection method: clinical testing. Allele origin: germline.
Comment: Variant summary: FBN1 c.5296+14G>A alters a non-conserved nucleotide located close to a canonical splice site and therefore could affect mRNA splicing, leading to a significantly altered protein sequence. 4/4 computational tools predict no significant impact on normal splicing. However, these predictions have yet to be confirmed by functional studies. The variant allele was found at a frequency of 0.0017 in 250318 control chromosomes, predominantly at a frequency of 0.023 within the East Asian subpopulation in the gnomAD database, including 5 homozygotes. The observed variant frequency within East Asian control individuals in the gnomAD database is approximately 204-fold of the estimated maximal expected allele frequency for a pathogenic variant in FBN1 causing Marfan Syndrome phenotype (0.00011), strongly suggesting that the variant is a benign polymorphism found primarily in populations of East Asian origin. Two ClinVar submitters (evaluation after 2014) cite the variant as benign/likely benign. Based on the evidence outlined above, the variant was classified as benign.

Illumina Laboratory Services, Illumina
Classification: Benign for Ectopia lentis 1, isolated, autosomal dominant. Last evaluated: 2018-01-13. Review status: criteria provided, single submitter. Criteria: ICSL Variant Classification Criteria 13 December 2019. Collection method: clinical testing. Allele origin: germline.
Comment: This variant was observed in the ICSL laboratory as part of a predisposition screen in an ostensibly healthy population. It had not been previously curated by ICSL or reported in the Human Gene Mutation Database (HGMD: prior to June 1st, 2018), and was therefore a candidate for classification through an automated scoring system. Utilizing variant allele frequency, disease prevalence and penetrance estimates, and inheritance mode, an automated score was calculated to assess if this variant is too frequent to cause the disease. Based on the score and internal cut-off values, a variant classified as benign is not then subjected to further curation. The score for this variant resulted in a classification of benign for this disease.

Illumina Laboratory Services, Illumina
Classification: Benign for Weill-Marchesani syndrome. Last evaluated: 2018-01-13. Review status: criteria provided, single submitter. Criteria: ICSL Variant Classification Criteria 13 December 2019. Collection method: clinical testing. Allele origin: germline.
Comment: the same text as in the submission from Illumina Laboratory Services, Illumina above.

Illumina Laboratory Services, Illumina
Classification: Benign for Geleophysic dysplasia. Last evaluated: 2018-01-13. Review status: criteria provided, single submitter. Criteria: ICSL Variant Classification Criteria 13 December 2019. Collection method: clinical testing. Allele origin: germline.
Comment: the same text as in the submission from Illumina Laboratory Services, Illumina above.

Illumina Laboratory Services, Illumina
Classification: Benign for Marfan syndrome. Last evaluated: 2018-01-13. Review status: criteria provided, single submitter. Criteria: ICSL Variant Classification Criteria 13 December 2019. Collection method: clinical testing. Allele origin: germline.
Comment: the same text as in the submission from Illumina Laboratory Services, Illumina above.

Illumina Laboratory Services, Illumina
Classification: Likely benign for Familial thoracic aortic aneurysm and aortic dissection. Last evaluated: 2018-01-13. Review status: criteria provided, single submitter. Criteria: ICSL Variant Classification Criteria 13 December 2019. Collection method: clinical testing. Allele origin: germline.
Comment: This variant was observed in the ICSL laboratory as part of a predisposition screen in an ostensibly healthy population. It had not been previously curated by ICSL or reported in the Human Gene Mutation Database (HGMD: prior to June 1st, 2018), and was therefore a candidate for classification through an automated scoring system. Utilizing variant allele frequency, disease prevalence and penetrance estimates, and inheritance mode, an automated score was calculated to assess if this variant is too frequent to cause the disease. Based on the score and internal cut-off values, a variant classified as likely benign is not then subjected to further curation. The score for this variant resulted in a classification of likely benign for this disease.

Illumina Laboratory Services, Illumina
Classification: Benign for Stiff skin syndrome. Last evaluated: 2018-01-13. Review status: criteria provided, single submitter. Criteria: ICSL Variant Classification Criteria 13 December 2019. Collection method: clinical testing. Allele origin: germline.
Comment: the same text as in the submission from Illumina Laboratory Services, Illumina above.

Illumina Laboratory Services, Illumina
Classification: Benign for Acromicric dysplasia. Last evaluated: 2018-01-13. Review status: criteria provided, single submitter. Criteria: ICSL Variant Classification Criteria 13 December 2019. Collection method: clinical testing. Allele origin: germline.
Comment: the same text as in the submission from Illumina Laboratory Services, Illumina above.

GeneDx
Classification: Benign. Last evaluated: 2013-10-10. Review status: criteria provided, single submitter. Criteria: GeneDx Variant Classification (06012015). Collection method: clinical testing. Allele origin: germline. Affected: yes.
Comment: This variant is considered likely benign or benign based on one or more of the following criteria: it is a conservative change, it occurs at a poorly conserved position in the protein, it is predicted to be benign by multiple in silico algorithms, and/or has population frequency not consistent with disease.

PreventionGenetics, part of Exact Sciences
Classification: Likely benign. Review status: criteria provided, single submitter. Criteria: ACMG Guidelines, 2015. Collection method: clinical testing. Allele origin: germline.

Genome Diagnostics Laboratory, Amsterdam University Medical Center
Classification: Benign. Review status: no assertion criteria provided. Collection method: clinical testing. Allele origin: germline. Affected: yes. Study: VKGL Data-share Consensus. Not counted in ClinVar's aggregate classification.

Genome Diagnostics Laboratory, University Medical Center Utrecht
Classification: Benign. Review status: no assertion criteria provided. Collection method: clinical testing. Allele origin: germline. Affected: yes. Study: VKGL Data-share Consensus. Not counted in ClinVar's aggregate classification.

NM_000138.5(FBN1):c.5296+14G>A

Gene: FBN1 (fibrillin 1; minus strand). Cytogenetic location: 15q21.1.
Variant type: single nucleotide variant.
Coding change: c.5296+14G>A on transcript NM_000138.5 (MANE Select); 14 bases into the intron after coding-DNA position 5296, G replaced by A.
Molecular consequence: intron variant.
Genome position (GRCh38, 1-based): chr15:48,460,232, C>T on the plus strand (G>A on the coding strand, the complement: FBN1 is on the minus strand). VCF-style: chr15-48460232-C-T. GRCh37 (hg19) VCF-style: chr15-48752429-C-T.
Identifiers: ClinVar variation 137309 (VCV000137309.26), dbSNP rs140650, ClinGen allele CA015748.